The following is an entry in ClinVar:

ClinVar aggregate classification (germline): Uncertain significance (1 of 4 stars; one submission).

Conditions:
ALG9 congenital disorder of glycosylation (CDG1L). Also called: CDG Il; CONGENITAL DISORDER OF GLYCOSYLATION, TYPE Il; ALG9-CDG. Identifiers: Orphanet 79328, MedGen C2931006, MONDO:0012117, OMIM 608776.

Allele frequency attached by ClinVar (database versions not stated): gnomAD exomes below 0.00001.
gnomAD v4.1: 3 of 1,613,984 alleles (0.00019%); highest among the groups gnomAD compares: Non-Finnish European, 0.00025%; no homozygotes.

Submission:

Labcorp Genetics (formerly Invitae), Labcorp
Classification: Uncertain significance for ALG9 congenital disorder of glycosylation. Last evaluated: 2022-08-22. Review status: criteria provided, single submitter. Criteria: Invitae Variant Classification Sherloc (09022015). Collection method: clinical testing. Allele origin: germline.
Comment: This sequence change replaces tyrosine, which is neutral and polar, with histidine, which is basic and polar, at codon 304 of the ALG9 protein (p.Tyr304His). This variant is not present in population databases (gnomAD no frequency). This variant has not been reported in the literature in individuals affected with ALG9-related conditions. Experimental studies and prediction algorithms are not available or were not evaluated, and the functional significance of this variant is currently unknown. In summary, the available evidence is currently insufficient to determine the role of this variant in disease. Therefore, it has been classified as a Variant of Uncertain Significance.

NM_024740.2(ALG9):c.910T>C (p.Tyr304His)

Gene: ALG9 (ALG9 alpha-1,2-mannosyltransferase; minus strand). Cytogenetic location: 11q23.1.
Variant type: single nucleotide variant.
Coding change: c.910T>C on transcript NM_024740.2 (MANE Select); coding-DNA position 910, T replaced by C.
Protein change: p.Tyr304His; replaces tyrosine 304 with histidine.
Molecular consequence: missense variant. On other transcripts: non-coding transcript variant (1), intron variant (2).
Genome position (GRCh38, 1-based): chr11:111,844,709, A>G on the plus strand (T>C on the coding strand, the complement: ALG9 is on the minus strand). VCF-style: chr11-111844709-A-G. GRCh37 (hg19) VCF-style: chr11-111715432-A-G.
Other names: c.910T>C, p.Tyr304His (NM_001077690.1, NM_001352417.1); c.397T>C, p.Tyr133His (NM_001077691.2, NM_001077692.2, NM_001352409.1 and 10 more transcripts); c.322T>C, p.Tyr108His (NM_001352422.2); c.896-3900T>C (NM_001352418.1); c.383-3900T>C (NM_001352423.2); short protein forms Y108H, Y133H, Y304H.
Identifiers: ClinVar variation 1717721 (VCV001717721.3), dbSNP rs2497109826, ClinGen allele CA382600349.